The following is an entry in ClinVar:

ClinVar aggregate classification (germline): Uncertain significance (1 of 4 stars; one submission).

Allele frequency attached by ClinVar (database versions not stated): ESP Exome Variant Server 0.00008.
gnomAD v4.1: 1 of 1,614,196 alleles (0.000062%); highest among the groups gnomAD compares: Non-Finnish European, 0.000085%; no homozygotes.

Submission:

Women's Health and Genetics/Laboratory Corporation of America, LabCorp
Classification: Uncertain significance. Last evaluated: 2023-05-01. Review status: criteria provided, single submitter. Criteria: LabCorp Variant Classification Summary - May 2015. Collection method: clinical testing. Allele origin: germline.
Comment: Variant summary: ABCA1 c.1371T>A (p.Asp457Glu) results in a conservative amino acid change in the encoded protein sequence. Five of five in-silico tools predict a benign effect of the variant on protein function. The variant allele was found at a frequency of 4e-06 in 251472 control chromosomes (gnomAD). The available data on variant occurrences in the general population are insufficient to allow any conclusion about variant significance. To our knowledge, no occurrence of c.1371T>A in individuals affected with Early Onset Coronary Artery Disease and no experimental evidence demonstrating its impact on protein function have been reported. No clinical diagnostic laboratories have submitted clinical-significance assessments for this variant to ClinVar after 2014. Based on the evidence outlined above, the variant was classified as uncertain significance.

NM_005502.4(ABCA1):c.1371T>A (p.Asp457Glu)

Gene: ABCA1 (ATP binding cassette subfamily A member 1; minus strand). Cytogenetic location: 9q31.1.
Variant type: single nucleotide variant.
Coding change: c.1371T>A on transcript NM_005502.4 (MANE Select); coding-DNA position 1371, T replaced by A.
Protein change: p.Asp457Glu; replaces aspartic acid 457 with glutamic acid.
Molecular consequence: missense variant.
Genome position (GRCh38, 1-based): chr9:104,832,712, A>T on the plus strand (T>A on the coding strand, the complement: ABCA1 is on the minus strand). VCF-style: chr9-104832712-A-T. GRCh37 (hg19) VCF-style: chr9-107594993-A-T.
Other names: short protein forms D457E.
Identifiers: ClinVar variation 2506317 (VCV002506317.1), dbSNP rs369118870, ClinGen allele CA5169033.